The following is an entry in ClinVar:

NM_004612.4(TGFBR1):c.707C>T (p.Ser236Phe)

Gene: TGFBR1 (transforming growth factor beta receptor 1; plus strand). Cytogenetic location: 9q22.33.
Variant type: single nucleotide variant.
Coding change: c.707C>T on transcript NM_004612.4 (MANE Select); coding-DNA position 707, C replaced by T.
Protein change: p.Ser236Phe; replaces serine 236 with phenylalanine.
Molecular consequence: missense variant.
Genome position (GRCh38, 1-based): chr9:99,137,991, C>T. VCF-style: chr9-99137991-C-T. GRCh37 (hg19) VCF-style: chr9-101900273-C-T.
Other names: p.S236F:TCT>TTT; c.476C>T, p.Ser159Phe (NM_001130916.3); c.719C>T, p.Ser240Phe (NM_001306210.2); short protein forms S236F, S240F, S159F.
Identifiers: ClinVar variation 213875 (VCV000213875.12), dbSNP rs863223812, ClinGen allele CA321749.
Genomic context (GRCh38, chr9:99,137,991, plus strand): 5'-TTGGAGAAGTTTGGAGAGGAAAGTGGCGGGGAGAAGAAGTTGCTGTTAAGATATTCTCCT[C>T]TAGAGAAGAACGTTCGTGGTTCCGTGAGGCAGAGATTTATCAAACTGTAATGTTACGTCA-3'
Protein context (NP_004603.1, residues 226-246): GEEVAVKIFS[Ser236Phe]REERSWFREA

ClinVar aggregate classification (germline): Conflicting classifications of pathogenicity. Review status: criteria provided, conflicting classifications (1 of 4 stars). 4 submissions from 4 submitters: Likely pathogenic (2); Uncertain significance (2). Last evaluated 2020-03-02.

Conditions:
TGFBR1-related disorder. Also called: TGFBR1-related condition.
Familial thoracic aortic aneurysm and aortic dissection (TAAD). Also called: Thoracic aortic aneurysms and dissections. Identifiers: Orphanet 91387, MedGen C4707243, MONDO:0019625.

Submissions (4):

Ambry Genetics
Classification: Uncertain significance for Familial thoracic aortic aneurysm and aortic dissection. Last evaluated: 2020-03-02. Review status: criteria provided, single submitter. Criteria: Ambry Variant Classification Scheme 2023. Collection method: clinical testing. Allele origin: germline.
Comment: The p.S236F variant (also known as c.707C>T), located in coding exon 4 of the TGFBR1 gene, results from a C to T substitution at nucleotide position 707. The serine at codon 236 is replaced by phenylalanine, an amino acid with highly dissimilar properties, and is located in the protein kinase domain. This amino acid position is highly conserved in available vertebrate species. In addition, this alteration is predicted to be deleterious by in silico analysis. Since supporting evidence is limited at this time, the clinical significance of this alteration remains unclear.

Blueprint Genetics
Classification: Likely pathogenic for TGFBR1-related disorders. Last evaluated: 2018-07-19. Review status: criteria provided, single submitter. Criteria: ACMG Guidelines, 2015. Collection method: clinical testing. Allele origin: germline. Affected: yes. Observed: 1 variant allele.

ARUP Laboratories, Molecular Genetics and Genomics, ARUP Laboratories
Classification: Uncertain significance. Last evaluated: 2016-08-04. Review status: criteria provided, single submitter. Criteria: ARUP Molecular Germline Variant Investigation Process. Collection method: clinical testing. Allele origin: germline.

GeneDx
Classification: Likely pathogenic. Last evaluated: 2015-06-19. Review status: criteria provided, single submitter. Criteria: GeneDx Variant Classification (06012015). Collection method: clinical testing. Allele origin: germline. Affected: yes.
Comment: p.Ser236Phe (S236F) (TCT>TTT): c.707 C>T in exon 4 of the TGFBR1 gene (NM_004612.2) The S236F variant that is likely pathogenic in the TGFBR1 gene has not been published as a mutation, nor has it been reported as a benign polymorphism to our knowledge. The S236F variant was not observed in approximately 6,500 individuals of European and African American ancestry in the NHLBI Exome Sequencing Project, indicating it is not a common benign variant in these populations. Additionally, the S236F variant is a non-conservative amino acid substitution occurring within the protein kinase domain, which is likely to impact secondary protein structure as these residues differ in polarity, charge, size and/or other properties. This substitution occurs at a position that is conserved across species. In silico analysis predicts this variant is probably damaging to the protein structure/function. Furthermore, multiple missense mutations in nearby residues (K232E, F234L, S241L, E245G) have been reported in association with aortic aneurysm and Loeys-Dietz syndrome and Shprintzen-Goldberg syndrome, supporting the functional importance of this region of the protein. Therefore, this variant is a strong candidate for a pathogenic mutation, however the possibility that it is a benign variant cannot be excluded. This variant was found in TAADV2-PANCARD